The following is an entry in ClinVar:

NM_017739.4(POMGNT1):c.960C>G (p.Arg320=)

Genes: POMGNT1 (protein O-linked mannose N-acetylglucosaminyltransferase 1 (beta 1,2-); minus strand), TSPAN1 (tetraspanin 1; plus strand). Cytogenetic location: 1p34.1.
Variant type: single nucleotide variant.
Coding change: c.960C>G on transcript NM_017739.4 (MANE Select); coding-DNA position 960, C replaced by G.
Protein change: p.Arg320=; no amino-acid change (arginine 320 retained).
Molecular consequence: synonymous variant.
Genome position (GRCh38, 1-based): chr1:46,193,630, G>C on the plus strand (C>G on the coding strand, the complement: POMGNT1 is on the minus strand). VCF-style: chr1-46193630-G-C. GRCh37 (hg19) VCF-style: chr1-46659302-G-C.
Other names: c.531C>G, p.Arg177= (NM_001290130.2); c.960C>G, p.Arg320= (NM_001410783.1, NM_001243766.2); c.894C>G, p.Arg298= (NM_001290129.3).
Identifiers: ClinVar variation 284940 (VCV000284940.49), dbSNP rs146933218, ClinGen allele CA833545.
Genomic context (GRCh38, chr1:46,193,630, plus strand): 5'-GTAGCCGTCAATGAAAACTGTTATCATCTGAGGAGACACCCCCTGGGCTGAAAGCAGAGA[G>C]CGCAGCATCCTGGGGAGCCCAGGGATAGGTTAGGGTCACTTCATCACCCCTCAACTCAGG-3'
Protein context (NP_060209.4, residues 310-330): NRPNYLYRML[Arg320=]SLLSAQGVSP

ClinVar aggregate classification (germline): Conflicting classifications of pathogenicity. Review status: criteria provided, conflicting classifications (1 of 4 stars). 10 submissions from 9 submitters: Uncertain significance (3); Likely benign (4). 3 of the submissions do not count toward it. Last evaluated 2026-01-19.

Conditions:
Congenital Muscular Dystrophy, alpha-dystroglycan related.
Autosomal recessive limb-girdle muscular dystrophy type 2O. Also called: MUSCULAR DYSTROPHY-DYSTROGLYCANOPATHY, LIMB-GIRDLE, POMGNT1-RELATED; Limb-Girdle Muscular Dystrophy Type 3C; MUSCULAR DYSTROPHY-DYSTROGLYCANOPATHY (LIMB-GIRDLE), TYPE C, 3. Identifiers: Orphanet 206564, MedGen C3150417, MONDO:0013161, OMIM 613157.
Muscle eye brain disease (MEB). Also called: Santavuori congenital muscular dystrophy. Identifiers: Orphanet 588, Orphanet 899, MedGen C0457133, MONDO:0018939.
Muscular dystrophy-dystroglycanopathy (congenital with impaired intellectual development), type B, 3. Also called: Muscular dystrophy-dystroglycanopathy (congenital with intellectual disability), type B3; MUSCULAR DYSTROPHY, CONGENITAL, POMGNT1-RELATED. Identifiers: MedGen C3150412, MONDO:0013155, OMIM 613151.

Allele frequency attached by ClinVar (database versions not stated): gnomAD 0.00011 and 0.00012; gnomAD exomes 0.00011; ExAC 0.00012; TOPMed 0.00009.
gnomAD v4.1: 417 of 1,614,078 alleles (0.026%); highest among the groups gnomAD compares: Non-Finnish European, 0.032%; no homozygotes.

Submissions (10):

Labcorp Genetics (formerly Invitae), Labcorp
Classification: Likely benign for Autosomal recessive limb-girdle muscular dystrophy type 2O; Muscular dystrophy-dystroglycanopathy (congenital with impaired intellectual development), type B, 3. Last evaluated: 2026-01-19. Review status: criteria provided, single submitter. Criteria: Invitae Variant Classification Sherloc (09022015). Collection method: clinical testing. Allele origin: germline.

Blueprint Genetics
Classification: Likely benign. Last evaluated: 2024-11-06. Review status: criteria provided, single submitter. Criteria: ACMG Guidelines, 2015. Collection method: clinical testing. Allele origin: germline.

CeGaT Center for Human Genetics Tuebingen
Classification: Likely benign. Last evaluated: 2024-04-01. Review status: criteria provided, single submitter. Criteria: CeGaT Center For Human Genetics Tuebingen Variant Classification Criteria Version 2. Collection method: clinical testing. Allele origin: germline. Affected: yes. Observed: 2 variant alleles.
Comment: POMGNT1: BP4, BP7

GeneDx
Classification: Likely benign. Last evaluated: 2020-11-10. Review status: criteria provided, single submitter. Criteria: GeneDx Variant Classification Process June 2021. Collection method: clinical testing. Allele origin: germline. Affected: yes.

Illumina Laboratory Services, Illumina
Classification: Uncertain significance for Autosomal recessive limb-girdle muscular dystrophy type 2O. Last evaluated: 2018-01-12. Review status: criteria provided, single submitter. Criteria: ICSL Variant Classification Criteria 13 December 2019. Collection method: clinical testing. Allele origin: germline.

Illumina Laboratory Services, Illumina
Classification: Uncertain significance for Congenital Muscular Dystrophy, alpha-dystroglycan related. Last evaluated: 2018-01-12. Review status: criteria provided, single submitter. Criteria: ICSL Variant Classification Criteria 13 December 2019. Collection method: clinical testing. Allele origin: germline.

Eurofins Ntd Llc (ga)
Classification: Uncertain significance. Last evaluated: 2015-12-04. Review status: criteria provided, single submitter. Criteria: EGL Classification Definitions 2015. Collection method: clinical testing. Allele origin: germline. Observed: 5 variant alleles, 5 heterozygotes.

Natera, Inc.
Classification: Uncertain significance for Muscle-eye-brain disease. Last evaluated: 2020-01-17. Review status: no assertion criteria provided. Collection method: clinical testing. Allele origin: germline. Not counted in ClinVar's aggregate classification.

Clinical Genetics DNA and cytogenetics Diagnostics Lab, Erasmus MC, Erasmus Medical Center
Classification: Likely benign. Review status: no assertion criteria provided. Collection method: clinical testing. Allele origin: germline. Affected: yes. Study: VKGL Data-share Consensus. Not counted in ClinVar's aggregate classification.

Clinical Genetics, Academic Medical Center
Classification: Benign. Review status: no assertion criteria provided. Collection method: clinical testing. Allele origin: germline. Affected: yes. Study: VKGL Data-share Consensus. Not counted in ClinVar's aggregate classification.